The following is an entry in ClinVar:

NM_006742.3(PSKH1):c.573C>T (p.Thr191=)

Gene: PSKH1 (protein serine kinase H1; plus strand). Cytogenetic location: 16q22.1.
Variant type: single nucleotide variant.
Coding change: c.573C>T on transcript NM_006742.3 (MANE Select); coding-DNA position 573, C replaced by T.
Protein change: p.Thr191=; no amino-acid change (threonine 191 retained).
Molecular consequence: synonymous variant.
Genome position (GRCh38, 1-based): chr16:67,909,322, C>T. VCF-style: chr16-67909322-C-T. GRCh37 (hg19) VCF-style: chr16-67943225-C-T.
Other names: c.573C>T (NM_006742.2).
Identifiers: ClinVar variation 2646644 (VCV002646644.25), dbSNP rs188443669, ClinGen allele CA8120002.

ClinVar aggregate classification (germline): Likely benign. Review status: criteria provided, multiple submitters, no conflicts (2 of 4 stars). 2 submissions from 2 submitters: Likely benign (2). Last evaluated 2025-12-30.

Conditions:
PSKH1-related condition.

Allele frequency attached by ClinVar (database versions not stated): gnomAD 0.00013; 1000 Genomes Project 30x 0.00016; TOPMed 0.00017; 1000 Genomes Project 0.00020; ESP Exome Variant Server 0.00031; ExAC 0.00035.
gnomAD v4.1: 255 of 1,614,090 alleles (0.016%); highest among the groups gnomAD compares: South Asian, 0.0077%; 2 homozygotes.

Submissions (2):

PreventionGenetics, part of Exact Sciences
Classification: Likely benign for PSKH1-related condition. Last evaluated: 2025-12-30. Review status: criteria provided, single submitter. Criteria: ACMG Guidelines, 2015. Collection method: clinical testing. Allele origin: germline.
Comment: This variant is classified as likely benign based on ACMG/AMP sequence variant interpretation guidelines (Richards et al. 2015 PMID: 25741868, with internal and published modifications).

CeGaT Center for Human Genetics Tuebingen
Classification: Likely benign. Last evaluated: 2022-05-01. Review status: criteria provided, single submitter. Criteria: CeGaT Center For Human Genetics Tuebingen Variant Classification Criteria Version 2. Collection method: clinical testing. Allele origin: germline. Affected: yes. Observed: 1 variant allele.
Comment: PSKH1: BP4, BP7